The following is an entry in ClinVar:

ClinVar aggregate classification (germline): Uncertain significance (1 of 4 stars; one submission).

Conditions:
Peroxisome biogenesis disorder 2B (PBD2B). Identifiers: Orphanet 44, MedGen C3550234, MONDO:0008736, OMIM 202370.

Submission:

Labcorp Genetics (formerly Invitae), Labcorp
Classification: Uncertain significance for Peroxisome biogenesis disorder 2B. Last evaluated: 2021-08-27. Review status: criteria provided, single submitter. Criteria: Invitae Variant Classification Sherloc (09022015). Collection method: clinical testing. Allele origin: germline.
Comment: This sequence change replaces glutamic acid with aspartic acid at codon 473 of the PEX5 protein (p.Glu473Asp). The glutamic acid residue is weakly conserved and there is a small physicochemical difference between glutamic acid and aspartic acid. This variant is not present in population databases (ExAC no frequency). This variant has not been reported in the literature in individuals affected with PEX5-related conditions. Algorithms developed to predict the effect of missense changes on protein structure and function (SIFT, PolyPhen-2, Align-GVGD) all suggest that this variant is likely to be tolerated. In summary, the available evidence is currently insufficient to determine the role of this variant in disease. Therefore, it has been classified as a Variant of Uncertain Significance.

NM_001351132.2(PEX5):c.1419G>T (p.Glu473Asp)

Gene: PEX5 (peroxisomal biogenesis factor 5; plus strand). Cytogenetic location: 12p13.31.
Variant type: single nucleotide variant.
Coding change: c.1419G>T on transcript NM_001351132.2 (MANE Select); coding-DNA position 1419, G replaced by T.
Protein change: p.Glu473Asp; replaces glutamic acid 473 with aspartic acid.
Molecular consequence: missense variant.
Genome position (GRCh38, 1-based): chr12:7,209,029, G>T. VCF-style: chr12-7209029-G-T. GRCh37 (hg19) VCF-style: chr12-7361625-G-T.
Other names: c.1395G>T, p.Glu465Asp (NM_000319.5); c.1464G>T, p.Glu488Asp (NM_001131023.2); c.1308G>T, p.Glu436Asp (NM_001131024.2, NM_001351124.3, NM_001351126.2 and 7 more transcripts); c.1419G>T, p.Glu473Asp (NM_001131025.2, NM_001131026.2, NM_001300789.3 and 4 more transcripts); c.1353G>T, p.Glu451Asp (NM_001351135.3, NM_001351138.2); c.1410G>T, p.Glu470Asp (NM_001351136.2); c.1284G>T, p.Glu428Asp (NM_001351139.2, NM_001351140.2, NM_001374649.2); short protein forms E473D, E436D, E465D, E470D, E488D, E428D, E451D.
Identifiers: ClinVar variation 845512 (VCV000845512.4), dbSNP rs1945181377, ClinGen allele CA383734652.
Genomic context (GRCh38, chr12:7,209,029, plus strand): 5'-ATCTACCTACTTTGTGTTTTTTTCCTTTTCATCCAGCTCCCTGTTTCTTGAAGTGAAAGA[G>T]CTCTTCCTGGCAGCTGTGCGGCTGGACCCTACCTCCATTGACCCTGATGTGCAGTGTGGC-3'
Protein context (NP_001338061.1, residues 463-483): LSDSLFLEVK[Glu473Asp]LFLAAVRLDP